The following is an entry in ClinVar:

ClinVar aggregate classification (germline): Uncertain significance (1 of 4 stars; one submission).

Conditions:
Hereditary cancer-predisposing syndrome. Also called: Neoplastic Syndromes, Hereditary; Tumor predisposition; Hereditary neoplastic syndrome; Hereditary Cancer Syndrome. Identifiers: Orphanet 140162, MedGen C0027672, MeSH D009386, MONDO:0015356.

Submission:

Ambry Genetics
Classification: Uncertain significance for Hereditary cancer-predisposing syndrome. Last evaluated: 2026-07-06. Review status: criteria provided, single submitter. Criteria: Ambry Variant Classification Scheme 2023. Collection method: clinical testing. Allele origin: germline.
Comment: The p.K218Q variant (also known as c.652A>C), located in coding exon 4 of the KIT gene, results from an A to C substitution at nucleotide position 652. The lysine at codon 218 is replaced by glutamine, an amino acid with similar properties. This amino acid position is conserved. In addition, this alteration is predicted to be tolerated by in silico analysis. Based on the available evidence, the clinical significance of this variant remains unclear.

NM_000222.3(KIT):c.652A>C (p.Lys218Gln)

Gene: KIT (KIT proto-oncogene, receptor tyrosine kinase; plus strand). Cytogenetic location: 4q12.
Variant type: single nucleotide variant.
Coding change: c.652A>C on transcript NM_000222.3 (MANE Select); coding-DNA position 652, A replaced by C.
Protein change: p.Lys218Gln; replaces lysine 218 with glutamine.
Molecular consequence: missense variant.
Genome position (GRCh38, 1-based): chr4:54,699,662, A>C. VCF-style: chr4-54699662-A-C. GRCh37 (hg19) VCF-style: chr4-55565828-A-C.
Other names: c.652A>C, p.Lys218Gln (NM_001093772.2, NM_001385284.1, NM_001385285.1 and 4 more transcripts); short protein forms K218Q.
Identifiers: ClinVar variation 5023303 (VCV005023303.1).